The following is an entry in ClinVar:

NM_000069.3(CACNA1S):c.5611C>T (p.Pro1871Ser)

Gene: CACNA1S (calcium voltage-gated channel subunit alpha1 S; minus strand). Cytogenetic location: 1q32.1.
Variant type: single nucleotide variant.
Coding change: c.5611C>T on transcript NM_000069.3 (MANE Select); coding-DNA position 5611, C replaced by T.
Protein change: p.Pro1871Ser; replaces proline 1871 with serine.
Molecular consequence: missense variant.
Genome position (GRCh38, 1-based): chr1:201,039,842, G>A on the plus strand (C>T on the coding strand, the complement: CACNA1S is on the minus strand). VCF-style: chr1-201039842-G-A. GRCh37 (hg19) VCF-style: chr1-201008970-G-A.
Other names: short protein forms P1871S.
Identifiers: ClinVar variation 2185479 (VCV002185479.5), dbSNP rs2464385342, ClinGen allele CA344127318.

ClinVar aggregate classification (germline): Uncertain significance. Review status: criteria provided, multiple submitters, no conflicts (2 of 4 stars). 2 submissions from 2 submitters: Uncertain significance (2). Last evaluated 2023-09-17.

Conditions:
Malignant hyperthermia, susceptibility to, 5 (MHS5). Also called: CACNA1S-Related Malignant Hyperthermia Susceptibility. Identifiers: Orphanet 423, MedGen C1866077, MONDO:0011163, OMIM 601887.
Hypokalemic periodic paralysis, type 1. Also called: HypoPP; Hypokalemic Periodic Paralysis Type 1 (AD). Identifiers: Orphanet 681, MedGen C3714580, MONDO:0042979, OMIM 170400.

Allele frequency attached by ClinVar (database versions not stated): gnomAD exomes 0.00001.
gnomAD v4.1: 3 of 1,605,498 alleles (0.00019%); highest among the groups gnomAD compares: Non-Finnish European, 0.00025%; no homozygotes.

Submissions (2):

All of Us Research Program, National Institutes of Health
Classification: Uncertain significance for Malignant hyperthermia, susceptibility to, 5. Last evaluated: 2023-09-17. Review status: criteria provided, single submitter. Criteria: ACMG Guidelines, 2015. Collection method: clinical testing. Allele origin: germline. Inheritance: Autosomal dominant inheritance. Observed: 2 variant alleles, 2 heterozygotes.
Comment: This missense variant replaces proline with serine at codon 1871 of the CACNA1S protein. Computational prediction suggests that this variant may not impact protein structure and function (internally defined REVEL score threshold <= 0.5, PMID: 27666373). To our knowledge, functional studies have not been reported for this variant. This variant has not been reported in individuals affected with CACNA1S-related disorders in the literature. This variant has not been identified in the general population by the Genome Aggregation Database (gnomAD). The available evidence is insufficient to determine the role of this variant in disease conclusively. Therefore, this variant is classified as a Variant of Uncertain Significance.

This study involves interpretation of variants in research participants for the purpose of population health screening. Participant phenotype was not available at the time of variant classification. Additional details can be found in publication PMID: 35346344, PMCID: PMC8962531

Labcorp Genetics (formerly Invitae), Labcorp
Classification: Uncertain significance for Hypokalemic periodic paralysis, type 1; Malignant hyperthermia, susceptibility to, 5. Last evaluated: 2022-06-11. Review status: criteria provided, single submitter. Criteria: Invitae Variant Classification Sherloc (09022015). Collection method: clinical testing. Allele origin: germline.
Comment: In summary, the available evidence is currently insufficient to determine the role of this variant in disease. Therefore, it has been classified as a Variant of Uncertain Significance. Advanced modeling of protein sequence and biophysical properties (such as structural, functional, and spatial information, amino acid conservation, physicochemical variation, residue mobility, and thermodynamic stability) performed at Invitae indicates that this missense variant is not expected to disrupt CACNA1S protein function. This variant has not been reported in the literature in individuals affected with CACNA1S-related conditions. This variant is not present in population databases (gnomAD no frequency). This sequence change replaces proline, which is neutral and non-polar, with serine, which is neutral and polar, at codon 1871 of the CACNA1S protein (p.Pro1871Ser).